The following is an entry in ClinVar:

ClinVar aggregate classification (germline): Uncertain significance. Review status: criteria provided, multiple submitters, no conflicts (2 of 4 stars). 2 submissions from 2 submitters: Uncertain significance (2). Last evaluated 2025-08-29.

Allele frequency attached by ClinVar (database versions not stated): gnomAD exomes below 0.00001.
gnomAD v4.1: 4 of 1,612,614 alleles (0.00025%); highest among the groups gnomAD compares: Non-Finnish European, 0.00034%; no homozygotes.

Submissions (2):

Ambry Genetics
Classification: Uncertain significance. Last evaluated: 2025-08-29. Review status: criteria provided, single submitter. Criteria: Ambry Variant Classification Scheme 2023. Collection method: clinical testing. Allele origin: germline.

Labcorp Genetics (formerly Invitae), Labcorp
Classification: Uncertain significance. Last evaluated: 2023-11-06. Review status: criteria provided, single submitter. Criteria: Invitae Variant Classification Sherloc (09022015). Collection method: clinical testing. Allele origin: germline.
Comment: This sequence change replaces arginine, which is basic and polar, with histidine, which is basic and polar, at codon 633 of the EEF2 protein (p.Arg633His). This variant is not present in population databases (gnomAD no frequency). This variant has not been reported in the literature in individuals affected with EEF2-related conditions. Advanced modeling of protein sequence and biophysical properties (such as structural, functional, and spatial information, amino acid conservation, physicochemical variation, residue mobility, and thermodynamic stability) performed at Invitae indicates that this missense variant is not expected to disrupt EEF2 protein function with a negative predictive value of 80%. In summary, the available evidence is currently insufficient to determine the role of this variant in disease. Therefore, it has been classified as a Variant of Uncertain Significance.

NM_001961.4(EEF2):c.1898G>A (p.Arg633His)

Gene: EEF2 (eukaryotic translation elongation factor 2; minus strand). Cytogenetic location: 19p13.3.
Variant type: single nucleotide variant.
Coding change: c.1898G>A on transcript NM_001961.4 (MANE Select); coding-DNA position 1898, G replaced by A.
Protein change: p.Arg633His; replaces arginine 633 with histidine.
Molecular consequence: missense variant.
Genome position (GRCh38, 1-based): chr19:3,977,988, C>T on the plus strand (G>A on the coding strand, the complement: EEF2 is on the minus strand). VCF-style: chr19-3977988-C-T. GRCh37 (hg19) VCF-style: chr19-3977986-C-T.
Other names: c.1898G>A (NM_001961.3); short protein forms R633H.
Identifiers: ClinVar variation 2986723 (VCV002986723.4), dbSNP rs2512199690, ClinGen allele CA403390794.